The following is an entry in ClinVar:

NM_004211.5(SLC6A5):c.1374G>A (p.Trp458Ter)

Gene: SLC6A5 (solute carrier family 6 member 5; plus strand). Cytogenetic location: 11p15.1.
Variant type: single nucleotide variant.
Coding change: c.1374G>A on transcript NM_004211.5 (MANE Select); coding-DNA position 1374, G replaced by A.
Protein change: p.Trp458Ter; replaces tryptophan 458 with a stop codon.
Molecular consequence: nonsense.
Genome position (GRCh38, 1-based): chr11:20,626,821, G>A. VCF-style: chr11-20626821-G-A. GRCh37 (hg19) VCF-style: chr11-20648367-G-A.
Other names: c.672G>A, p.Trp224Ter (NM_001318369.2); short protein forms W224*, W458*.
Identifiers: ClinVar variation 2087072 (VCV002087072.4), dbSNP rs912922347, ClinGen allele CA379917102.

ClinVar aggregate classification (germline): Pathogenic (1 of 4 stars; one submission).

Conditions:
Hyperekplexia 3 (HKPX3). Also called: HYPEREKPLEXIA 3, AUTOSOMAL RECESSIVE; HYPEREKPLEXIA 3, AUTOSOMAL DOMINANT. Identifiers: Orphanet 3197, MedGen C3553288, MONDO:0013827, OMIM 614618.

Submission:

Labcorp Genetics (formerly Invitae), Labcorp
Classification: Pathogenic for Hyperekplexia 3. Last evaluated: 2022-04-16. Review status: criteria provided, single submitter. Criteria: Invitae Variant Classification Sherloc (09022015). Collection method: clinical testing. Allele origin: germline.
Comment: For these reasons, this variant has been classified as Pathogenic. Algorithms developed to predict the effect of sequence changes on RNA splicing suggest that this variant may create or strengthen a splice site. This variant has not been reported in the literature in individuals affected with SLC6A5-related conditions. This variant is not present in population databases (gnomAD no frequency). This sequence change creates a premature translational stop signal (p.Trp458*) in the SLC6A5 gene. It is expected to result in an absent or disrupted protein product. Loss-of-function variants in SLC6A5 are known to be pathogenic (PMID: 14622583, 16751771, 22700964).

Literature cited by the submitters: PubMed 14622583; PubMed 16751771; PubMed 22700964.